The following is an entry in ClinVar:

NM_198253.3(TERT):c.472C>T (p.Leu158Phe)

Gene: TERT (telomerase reverse transcriptase; minus strand). Cytogenetic location: 5p15.33.
Variant type: single nucleotide variant.
Coding change: c.472C>T on transcript NM_198253.3 (MANE Select); coding-DNA position 472, C replaced by T.
Protein change: p.Leu158Phe; replaces leucine 158 with phenylalanine.
Molecular consequence: missense variant. On other transcripts: non-coding transcript variant (2).
Genome position (GRCh38, 1-based): chr5:1,294,414, G>A on the plus strand (C>T on the coding strand, the complement: TERT is on the minus strand). VCF-style: chr5-1294414-G-A. GRCh37 (hg19) VCF-style: chr5-1294529-G-A.
Other names: c.472C>T, p.Leu158Phe (NM_001193376.3, NM_003219.1); short protein forms L158F.
Identifiers: ClinVar variation 2454084 (VCV002454084.6), dbSNP rs2478427096, ClinGen allele CA359057962.

ClinVar aggregate classification (germline): Uncertain significance. Review status: criteria provided, multiple submitters, no conflicts (2 of 4 stars). 3 submissions from 3 submitters: Uncertain significance (3). Last evaluated 2024-05-13.

Conditions:
Dyskeratosis congenita. Identifiers: Orphanet 1775, MedGen C0265965, MONDO:0015780.
Idiopathic Pulmonary Fibrosis. Also called: Idiopathic fibrosing alveolitis, chronic form; idiopathic fibrosing alveolitis. Identifiers: Orphanet 2032, MedGen C1800706, MeSH D054990, MONDO:0800504.
Dyskeratosis congenita, autosomal dominant 2. Identifiers: MedGen C3151443, MONDO:0013521, OMIM 613989.

Submissions (3):

Labcorp Genetics (formerly Invitae), Labcorp
Classification: Uncertain significance for Dyskeratosis congenita, autosomal dominant 2; Idiopathic Pulmonary Fibrosis. Last evaluated: 2024-05-13. Review status: criteria provided, single submitter. Criteria: Invitae Variant Classification Sherloc (09022015). Collection method: clinical testing. Allele origin: germline.
Comment: This sequence change replaces leucine, which is neutral and non-polar, with phenylalanine, which is neutral and non-polar, at codon 158 of the TERT protein (p.Leu158Phe). This variant is not present in population databases (gnomAD no frequency). This variant has not been reported in the literature in individuals affected with TERT-related conditions. ClinVar contains an entry for this variant (Variation ID: 2454084). Advanced modeling of protein sequence and biophysical properties (such as structural, functional, and spatial information, amino acid conservation, physicochemical variation, residue mobility, and thermodynamic stability) performed at Invitae indicates that this missense variant is expected to disrupt TERT protein function with a positive predictive value of 95%. In summary, the available evidence is currently insufficient to determine the role of this variant in disease. Therefore, it has been classified as a Variant of Uncertain Significance.

Ambry Genetics
Classification: Uncertain significance for Dyskeratosis congenita. Last evaluated: 2023-02-03. Review status: criteria provided, single submitter. Criteria: Ambry Variant Classification Scheme 2023. Collection method: clinical testing. Allele origin: germline.
Comment: The p.L158F variant (also known as c.472C>T), located in coding exon 2 of the TERT gene, results from a C to T substitution at nucleotide position 472. The leucine at codon 158 is replaced by phenylalanine, an amino acid with highly similar properties. This amino acid position is conserved. In addition, the in silico prediction for this alteration is inconclusive. Since supporting evidence is limited at this time, the clinical significance of this alteration remains unclear.

Blueprint Genetics
Classification: Uncertain significance. Last evaluated: 2021-12-27. Review status: criteria provided, single submitter. Criteria: ACMG Guidelines, 2015. Collection method: clinical testing. Allele origin: germline.